The following is an entry in ClinVar:

ClinVar aggregate classification (germline): Pathogenic (1 of 4 stars; one submission).

Conditions:
Juvenile polyposis syndrome (JPS). Identifiers: Orphanet 2929, MedGen C0345893, MONDO:0017380, OMIM 174900.

Submission:

Myriad Genetics, Inc.
Classification: Pathogenic for Juvenile polyposis syndrome. Last evaluated: 2023-10-09. Review status: criteria provided, single submitter. Criteria: Myriad Autosomal Dominant, Autosomal Recessive and X-Linked Classification Criteria (2023). Collection method: clinical testing. Allele origin: unknown.
Comment: This variant is considered pathogenic. This variant creates a frameshift predicted to result in premature protein truncation.

NM_004329.3(BMPR1A):c.485del (p.Val162fs)

Gene: BMPR1A (bone morphogenetic protein receptor type 1A; plus strand). Cytogenetic location: 10q23.2.
Variant type: Deletion.
Coding change: c.485del on transcript NM_004329.3 (MANE Select); coding-DNA position 485, one base deleted (T; older notation c.485delT).
Protein change: p.Val162fs; shifts the reading frame from valine 162.
Molecular consequence: frameshift variant. On other transcripts: non-coding transcript variant (3), intron variant (1).
Genome position (GRCh38, 1-based): chr10:86,900,081, T deleted. VCF-style (leftmost placement, unchanged base first): chr10-86900080-GT-G. GRCh37 (hg19) VCF-style: chr10-88659837-GT-G.
Other names: c.485del, p.Val162fs (NM_001406559.1, NM_001406560.1, NM_001406561.1 and 22 more transcripts); c.401del, p.Val134fs (NM_001406584.1, NM_001406585.1, NM_001406586.1 and 2 more transcripts); c.333+7852del (NM_001406589.1); short protein forms V134fs, V162fs.
Identifiers: ClinVar variation 2673977 (VCV002673977.1), dbSNP rs2539494737, ClinGen allele CA2695200863.
Genomic context (GRCh38, chr10:86,900,080, plus strand): 5'-TTGTCAGGTCCGTTTTTTGATGGCAGCATTCGATGGCTGGTTTTGCTCATTTCTATGGCT[GT>G]CTGCATAATTGCTATGATCATCTTCTCCAGCTGCTTTTGTTACAAGTAAGAAGATATTTA-3'